The following is an entry in ClinVar:

ClinVar aggregate classification (germline): Uncertain significance. Review status: criteria provided, multiple submitters, no conflicts (2 of 4 stars). 2 submissions from 2 submitters: Uncertain significance (2). Last evaluated 2024-11-25.

Conditions:
Inborn genetic diseases. Identifiers: MedGen C0950123, MeSH D030342.

gnomAD v4.1: 5 of 1,614,134 alleles (0.00031%); highest among the groups gnomAD compares: Non-Finnish European, 0.00042%; no homozygotes.

Submissions (2):

Labcorp Genetics (formerly Invitae), Labcorp
Classification: Uncertain significance. Last evaluated: 2024-11-25. Review status: criteria provided, single submitter. Criteria: Invitae Variant Classification Sherloc (09022015). Collection method: clinical testing. Allele origin: germline.
Comment: This sequence change replaces threonine, which is neutral and polar, with serine, which is neutral and polar, at codon 672 of the CNOT1 protein (p.Thr672Ser). This variant is present in population databases (no rsID available, gnomAD 0.0009%). This variant has not been reported in the literature in individuals affected with CNOT1-related conditions. ClinVar contains an entry for this variant (Variation ID: 3146580). An algorithm developed to predict the effect of missense changes on protein structure and function (PolyPhen-2) suggests that this variant is likely to be tolerated. In summary, the available evidence is currently insufficient to determine the role of this variant in disease. Therefore, it has been classified as a Variant of Uncertain Significance.

Ambry Genetics
Classification: Uncertain significance for Inborn genetic diseases. Last evaluated: 2024-01-03. Review status: criteria provided, single submitter. Criteria: Ambry Variant Classification Scheme 2023. Collection method: clinical testing. Allele origin: germline.

NM_016284.5(CNOT1):c.2015C>G (p.Thr672Ser)

Gene: CNOT1 (CCR4-NOT transcription complex subunit 1; minus strand). Cytogenetic location: 16q21.
Variant type: single nucleotide variant.
Coding change: c.2015C>G on transcript NM_016284.5 (MANE Select); coding-DNA position 2015, C replaced by G.
Protein change: p.Thr672Ser; replaces threonine 672 with serine.
Molecular consequence: missense variant. On other transcripts: non-coding transcript variant (1).
Genome position (GRCh38, 1-based): chr16:58,560,327, G>C on the plus strand (C>G on the coding strand, the complement: CNOT1 is on the minus strand). VCF-style: chr16-58560327-G-C. GRCh37 (hg19) VCF-style: chr16-58594231-G-C.
Other names: c.2015C>G, p.Thr672Ser (NM_001265612.2, NM_206999.3); short protein forms T672S.
Identifiers: ClinVar variation 3146580 (VCV003146580.3), dbSNP rs917698690, ClinGen allele CA396133467.